The following is an entry in ClinVar:

ClinVar aggregate classification (germline): Benign. Review status: criteria provided, multiple submitters, no conflicts (2 of 4 stars). 4 submissions from 4 submitters: Benign (4). Last evaluated 2026-02-04.

Conditions:
Progressive pseudorheumatoid dysplasia (PPRD). Also called: SPONDYLOEPIPHYSEAL DYSPLASIA TARDA WITH PROGRESSIVE ARTHROPATHY; Progressive Pseudorheumatoid Arthropathy of Childhood. Identifiers: Orphanet 1159, MedGen C0432215, MONDO:0008827, OMIM 208230. Disease mechanism: loss of function.

Allele frequency attached by ClinVar (database versions not stated): gnomAD exomes 0.25608 and 0.26960; ExAC 0.26062; 1000 Genomes Project 0.29892; 1000 Genomes Project 30x 0.30543; gnomAD 0.31403 and 0.32081; TOPMed 0.32434; ESP Exome Variant Server 0.33615.
gnomAD v4.1: 442,045 of 1,613,864 alleles (27%); highest among the groups gnomAD compares: African/African-American, 46%; 63,175 homozygotes.

Submissions (4):

Labcorp Genetics (formerly Invitae), Labcorp
Classification: Benign. Last evaluated: 2026-02-04. Review status: criteria provided, single submitter. Criteria: Invitae Variant Classification Sherloc (09022015). Collection method: clinical testing. Allele origin: germline.

Blueprint Genetics
Classification: Benign. Last evaluated: 2024-11-26. Review status: criteria provided, single submitter. Criteria: ACMG Guidelines, 2015. Collection method: clinical testing. Allele origin: germline.

GeneDx
Classification: Benign. Last evaluated: 2020-01-15. Review status: criteria provided, single submitter. Criteria: GeneDx Variant Classification Process June 2021. Collection method: clinical testing. Allele origin: germline. Affected: yes.

Illumina Laboratory Services, Illumina
Classification: Benign for Progressive pseudorheumatoid dysplasia. Last evaluated: 2018-01-13. Review status: criteria provided, single submitter. Criteria: ICSL Variant Classification Criteria 13 December 2019. Collection method: clinical testing. Allele origin: germline.
Comment: This variant was observed in the ICSL laboratory as part of a predisposition screen in an ostensibly healthy population. It had not been previously curated by ICSL or reported in the Human Gene Mutation Database (HGMD: prior to June 1st, 2018), and was therefore a candidate for classification through an automated scoring system. Utilizing variant allele frequency, disease prevalence and penetrance estimates, and inheritance mode, an automated score was calculated to assess if this variant is too frequent to cause the disease. Based on the score and internal cut-off values, a variant classified as benign is not then subjected to further curation. The score for this variant resulted in a classification of benign for this disease.

NM_198239.2(CCN6):c.168G>T (p.Gln56His)

Gene: CCN6 (cellular communication network factor 6; plus strand). Cytogenetic location: 6q21.
Variant type: single nucleotide variant.
Coding change: c.168G>T on transcript NM_198239.2 (MANE Select); coding-DNA position 168, G replaced by T.
Protein change: p.Gln56His; replaces glutamine 56 with histidine.
Molecular consequence: missense variant. On other transcripts: non-coding transcript variant (2).
Genome position (GRCh38, 1-based): chr6:112,061,110, G>T. VCF-style: chr6-112061110-G-T. GRCh37 (hg19) VCF-style: chr6-112382313-G-T.
Other names: c.168G>T, p.Gln56His (NM_003880.4); short protein forms Q56H.
Identifiers: ClinVar variation 355060 (VCV000355060.17), dbSNP rs1230345, ClinGen allele CA3963924.